The following is an entry in ClinVar:

NM_006660.5(CLPX):c.601A>C (p.Ile201Leu)

Gene: CLPX (caseinolytic mitochondrial matrix peptidase chaperone subunit X; minus strand). Cytogenetic location: 15q22.31.
Variant type: single nucleotide variant.
Coding change: c.601A>C on transcript NM_006660.5 (MANE Select); coding-DNA position 601, A replaced by C.
Protein change: p.Ile201Leu; replaces isoleucine 201 with leucine.
Molecular consequence: missense variant. On other transcripts: non-coding transcript variant (1).
Genome position (GRCh38, 1-based): chr15:65,164,101, T>G on the plus strand (A>C on the coding strand, the complement: CLPX is on the minus strand). VCF-style: chr15-65164101-T-G. GRCh37 (hg19) VCF-style: chr15-65456439-T-G.
Other names: c.601A>C (NM_006660.3); short protein forms I201L.
Identifiers: ClinVar variation 1347032 (VCV001347032.7), dbSNP rs34481002, ClinGen allele CA7614852.

ClinVar aggregate classification (germline): Uncertain significance. Review status: criteria provided, multiple submitters, no conflicts (2 of 4 stars). 2 submissions from 2 submitters: Uncertain significance (2). Last evaluated 2025-08-29.

Allele frequency attached by ClinVar (database versions not stated): gnomAD exomes 0.00007 and 0.00008; TOPMed 0.00009; ExAC 0.00010; gnomAD 0.00010 and 0.00011; ESP Exome Variant Server 0.00031.

Submissions (2):

Ambry Genetics
Classification: Uncertain significance. Last evaluated: 2025-08-29. Review status: criteria provided, single submitter. Criteria: Ambry Variant Classification Scheme 2023. Collection method: clinical testing. Allele origin: germline.

Labcorp Genetics (formerly Invitae), Labcorp
Classification: Uncertain significance. Last evaluated: 2025-03-05. Review status: criteria provided, single submitter. Criteria: Invitae Variant Classification Sherloc (09022015). Collection method: clinical testing. Allele origin: germline.
Comment: This sequence change replaces isoleucine, which is neutral and non-polar, with leucine, which is neutral and non-polar, at codon 201 of the CLPX protein (p.Ile201Leu). This variant is present in population databases (rs34481002, gnomAD 0.02%). This variant has not been reported in the literature in individuals affected with CLPX-related conditions. ClinVar contains an entry for this variant (Variation ID: 1347032). Invitae Evidence Modeling of protein sequence and biophysical properties (such as structural, functional, and spatial information, amino acid conservation, physicochemical variation, residue mobility, and thermodynamic stability) indicates that this missense variant is not expected to disrupt CLPX protein function with a negative predictive value of 80%. In summary, the available evidence is currently insufficient to determine the role of this variant in disease. Therefore, it has been classified as a Variant of Uncertain Significance.